The following is an entry in ClinVar:

ClinVar aggregate classification (germline): Uncertain significance (1 of 4 stars; one submission).

Conditions:
Arrhythmogenic right ventricular cardiomyopathy (ARVD). Also called: Arrhythmogenic right ventricular dysplasia; Cardiomyopathy, ARVC; Arrhythmogenic cardiomyopathy; Arrhythmogenic Right Ventricular Cardiomyopathy (ARVC). Identifiers: Orphanet 247, MedGen C0349788, MeSH D019571, MONDO:0016587. Disease mechanism: loss of function. Inheritance: Various modes of inheritance.

gnomAD v4.1: 1 of 1,613,934 alleles (0.000062%); highest among the groups gnomAD compares: Admixed American, 0.0017%; no homozygotes.

Submission:

All of Us Research Program, National Institutes of Health
Classification: Uncertain significance for Arrhythmogenic right ventricular cardiomyopathy. Last evaluated: 2024-05-14. Review status: criteria provided, single submitter. Criteria: ACMG Guidelines, 2015. Collection method: clinical testing. Allele origin: germline. Inheritance: Autosomal dominant inheritance. Observed: 1 variant allele, 1 heterozygote.
Comment: This missense variant replaces tyrosine with cysteine at codon 783 of the DSG2 protein. Computational prediction suggests that this variant may not impact protein structure and function (internally defined REVEL score threshold <= 0.5, PMID: 27666373). To our knowledge, functional studies have not been reported for this variant. This variant has not been reported in individuals affected with DSG2-related disorders in the literature. This variant has been identified in 1/249216 chromosomes in the general population by the Genome Aggregation Database (gnomAD). The available evidence is insufficient to determine the role of this variant in disease conclusively. Therefore, this variant is classified as a Variant of Uncertain Significance.

This study involves interpretation of variants in research participants for the purpose of population health screening. Participant phenotype was not available at the time of variant classification. Additional details can be found in publication PMID: 35346344, PMCID: PMC8962531

NM_001943.5(DSG2):c.2348A>G (p.Tyr783Cys)

Genes: DSG2 (desmoglein 2; plus strand), DSG2-AS1 (DSG2 antisense RNA 1; minus strand). Cytogenetic location: 18q12.1.
Variant type: single nucleotide variant.
Coding change: c.2348A>G on transcript NM_001943.5 (MANE Select); coding-DNA position 2348, A replaced by G.
Protein change: p.Tyr783Cys; replaces tyrosine 783 with cysteine.
Molecular consequence: missense variant.
Genome position (GRCh38, 1-based): chr18:31,545,734, A>G. VCF-style: chr18-31545734-A-G. GRCh37 (hg19) VCF-style: chr18-29125697-A-G.
Other names: short protein forms Y783C.
Identifiers: ClinVar variation 3386600 (VCV003386600.1).